The following is an entry in ClinVar:

NM_003072.5(SMARCA4):c.1590C>T (p.Leu530=)

Gene: SMARCA4 (SWI/SNF related BAF chromatin remodeling complex subunit ATPase 4; plus strand). Cytogenetic location: 19p13.2.
Variant type: single nucleotide variant.
Coding change: c.1590C>T on transcript NM_003072.5 (MANE Select); coding-DNA position 1590, C replaced by T.
Protein change: p.Leu530=; no amino-acid change (leucine 530 retained).
Molecular consequence: synonymous variant. On other transcripts: non-coding transcript variant (1).
Genome position (GRCh38, 1-based): chr19:10,994,998, C>T. VCF-style: chr19-10994998-C-T. GRCh37 (hg19) VCF-style: chr19-11105674-C-T.
Other names: c.1590C>T, p.Leu530= (NM_001128844.3, NM_001128845.2, NM_001128846.2 and 5 more transcripts).
Identifiers: ClinVar variation 470250 (VCV000470250.19), dbSNP rs1555762200, ClinGen allele CA505490414.

ClinVar aggregate classification (germline): Benign/Likely benign. Review status: criteria provided, multiple submitters, no conflicts (2 of 4 stars). 5 submissions from 5 submitters: Benign (1); Likely benign (4). Last evaluated 2026-07-10.

Conditions:
Hereditary cancer-predisposing syndrome. Also called: Hereditary Cancer Syndrome; Hereditary neoplastic syndrome; Neoplastic Syndromes, Hereditary; Tumor predisposition. Identifiers: Orphanet 140162, MedGen C0027672, MeSH D009386, MONDO:0015356.
Rhabdoid tumor predisposition syndrome 2 (RTPS2). Identifiers: Orphanet 231108, Orphanet 69077, MedGen C2750074, MONDO:0013224, OMIM 613325.

Allele frequency attached by ClinVar (database versions not stated): gnomAD exomes below 0.00001.
gnomAD v4.1: 2 of 1,610,852 alleles (0.00012%); highest among the groups gnomAD compares: Non-Finnish European, 0.00017%; no homozygotes.

Submissions (5):

Myriad Genetics, Inc.
Classification: Benign for Rhabdoid tumor predisposition syndrome 2. Last evaluated: 2026-07-10. Review status: criteria provided, single submitter. Criteria: Myriad Autosomal Dominant, Autosomal Recessive and X-Linked Classification Criteria (2023). Collection method: clinical testing. Allele origin: unknown.
Comment: This variant is considered benign. This variant is a silent/synonymous amino acid change and it is not expected to impact splicing.

Labcorp Genetics (formerly Invitae), Labcorp
Classification: Likely benign for Rhabdoid tumor predisposition syndrome 2. Last evaluated: 2026-01-31. Review status: criteria provided, single submitter. Criteria: Invitae Variant Classification Sherloc (09022015). Collection method: clinical testing. Allele origin: germline.

Quest Diagnostics Nichols Institute San Juan Capistrano
Classification: Likely benign. Last evaluated: 2024-12-13. Review status: criteria provided, single submitter. Criteria: Quest Diagnostics criteria. Collection method: clinical testing. Allele origin: unknown.

Blueprint Genetics
Classification: Likely benign. Last evaluated: 2024-05-01. Review status: criteria provided, single submitter. Criteria: ACMG Guidelines, 2015. Collection method: clinical testing. Allele origin: germline.

Ambry Genetics
Classification: Likely benign for Hereditary cancer-predisposing syndrome. Last evaluated: 2017-09-28. Review status: criteria provided, single submitter. Criteria: Ambry Variant Classification Scheme 2023. Collection method: clinical testing. Allele origin: germline.